The following is an entry in ClinVar:

NM_001111.5(ADAR):c.1319G>A (p.Gly440Asp)

Gene: ADAR (adenosine deaminase RNA specific; minus strand). Cytogenetic location: 1q21.3.
Variant type: single nucleotide variant.
Coding change: c.1319G>A on transcript NM_001111.5 (MANE Select); coding-DNA position 1319, G replaced by A.
Protein change: p.Gly440Asp; replaces glycine 440 with aspartic acid.
Molecular consequence: missense variant.
Genome position (GRCh38, 1-based): chr1:154,601,323, C>T on the plus strand (G>A on the coding strand, the complement: ADAR is on the minus strand). VCF-style: chr1-154601323-C-T. GRCh37 (hg19) VCF-style: chr1-154573799-C-T.
Other names: c.1319G>A, p.Gly440Asp (LRG_1212t1, NM_015840.4, NM_015841.4); c.434G>A, p.Gly145Asp (NM_001025107.3, NM_001193495.2, NM_001365046.1 and 3 more transcripts); c.1346G>A, p.Gly449Asp (NM_001365045.1); short protein forms G145D, G440D, G449D.
Identifiers: ClinVar variation 663592 (VCV000663592.8), dbSNP rs1274234563, ClinGen allele CA342596871.
Genomic context (GRCh38, chr1:154,601,323, plus strand): 5'-GGGATGTCATCTGTGGCCCACTGGCCATTTTCAAAGTCAACATACCCTGCTTTTGAGGGG[C>T]CATTGTAATGAACAGGTGGTTTCAGTCTTGCTGGTTCTGGTCTGGCCTCTTGCCTGTTTT-3'
Protein context (NP_001102.3, residues 430-450): ARLKPPVHYN[Gly440Asp]PSKAGYVDFE

ClinVar aggregate classification (germline): Uncertain significance (1 of 4 stars; one submission).

Conditions:
Aicardi-Goutieres syndrome 6 (AGS6). Identifiers: Orphanet 51, MedGen C3539013, MONDO:0014007, OMIM 615010.
Symmetrical dyschromatosis of extremities (DSH). Also called: Dyschromatosis symmetrica hereditaria; DYSCHROMATOSIS SYMMETRICA HEREDITARIA 1; RETICULATE ACROPIGMENTATION OF DOHI; SYMMETRIC DYSCHROMATOSIS OF THE EXTREMITIES. Identifiers: Orphanet 41, MedGen C0406775, MONDO:0007483, OMIM 127400.

gnomAD v4.1: 3 of 1,614,240 alleles (0.00019%); highest among the groups gnomAD compares: African/African-American, 0.0013%; no homozygotes.

Submission:

Labcorp Genetics (formerly Invitae), Labcorp
Classification: Uncertain significance for Aicardi-Goutieres syndrome 6; Symmetrical dyschromatosis of extremities. Last evaluated: 2018-11-07. Review status: criteria provided, single submitter. Criteria: Invitae Variant Classification Sherloc (09022015). Collection method: clinical testing. Allele origin: germline.
Comment: This variant has not been reported in the literature in individuals with ADAR-related disease. This variant is not present in population databases (ExAC no frequency). This sequence change replaces glycine with aspartic acid at codon 440 of the ADAR protein (p.Gly440Asp). The glycine residue is moderately conserved and there is a moderate physicochemical difference between glycine and aspartic acid. Algorithms developed to predict the effect of missense changes on protein structure and function output the following: SIFT: "Deleterious"; PolyPhen-2: "Benign"; Align-GVGD: "Class C0". The aspartic acid amino acid residue is found in multiple mammalian species, suggesting that this missense change does not adversely affect protein function. These predictions have not been confirmed by published functional studies and their clinical significance is uncertain. In summary, the available evidence is currently insufficient to determine the role of this variant in disease. Therefore, it has been classified as a Variant of Uncertain Significance.